The following is an entry in ClinVar:

NM_004612.4(TGFBR1):c.204C>T (p.Asn68=)

Gene: TGFBR1 (transforming growth factor beta receptor 1; plus strand). Cytogenetic location: 9q22.33.
Variant type: single nucleotide variant.
Coding change: c.204C>T on transcript NM_004612.4 (MANE Select); coding-DNA position 204, C replaced by T.
Protein change: p.Asn68=; no amino-acid change (asparagine 68 retained).
Molecular consequence: synonymous variant.
Genome position (GRCh38, 1-based): chr9:99,128,961, C>T. VCF-style: chr9-99128961-C-T. GRCh37 (hg19) VCF-style: chr9-101891243-C-T.
Other names: c.204C>T, p.Asn68= (NM_001130916.3, NM_001306210.2).
Identifiers: ClinVar variation 383153 (VCV000383153.10), dbSNP rs1057521532, ClinGen allele CA16606609.

ClinVar aggregate classification (germline): Likely benign. Review status: criteria provided, multiple submitters, no conflicts (2 of 4 stars). 2 submissions from 2 submitters: Likely benign (2). Last evaluated 2025-08-14.

Conditions:
Familial thoracic aortic aneurysm and aortic dissection (TAAD). Also called: Thoracic aortic aneurysms and dissections. Identifiers: Orphanet 91387, MedGen C4707243, MONDO:0019625.

Allele frequency attached by ClinVar (database versions not stated): gnomAD exomes below 0.00001.
gnomAD v4.1: 4 of 1,613,966 alleles (0.00025%); highest among the groups gnomAD compares: South Asian, 0.0022%; no homozygotes.

Submissions (2):

Labcorp Genetics (formerly Invitae), Labcorp
Classification: Likely benign for Familial thoracic aortic aneurysm and aortic dissection. Last evaluated: 2025-08-14. Review status: criteria provided, single submitter. Criteria: Invitae Variant Classification Sherloc (09022015). Collection method: clinical testing. Allele origin: germline.

GeneDx
Classification: Likely benign. Last evaluated: 2016-01-14. Review status: criteria provided, single submitter. Criteria: GeneDx Variant Classification (06012015). Collection method: clinical testing. Allele origin: germline. Affected: yes.
Comment: This variant is considered likely benign or benign based on one or more of the following criteria: it is a conservative change, it occurs at a poorly conserved position in the protein, it is predicted to be benign by multiple in silico algorithms, and/or has population frequency not consistent with disease.